The following is an entry in ClinVar:

NM_152296.5(ATP1A3):c.1381C>T (p.Arg461Cys)

Gene: ATP1A3 (ATPase Na+/K+ transporting subunit alpha 3; minus strand). Cytogenetic location: 19q13.2.
Variant type: single nucleotide variant.
Coding change: c.1381C>T on transcript NM_152296.5 (MANE Select); coding-DNA position 1381, C replaced by T.
Protein change: p.Arg461Cys; replaces arginine 461 with cysteine.
Molecular consequence: missense variant.
Genome position (GRCh38, 1-based): chr19:41,981,558, G>A on the plus strand (C>T on the coding strand, the complement: ATP1A3 is on the minus strand). VCF-style: chr19-41981558-G-A. GRCh37 (hg19) VCF-style: chr19-42485710-G-A.
Other names: c.1414C>T, p.Arg472Cys (NM_001256213.2); c.1420C>T, p.Arg474Cys (NM_001256214.2); short protein forms R461C, R472C, R474C.
Identifiers: ClinVar variation 3026658 (VCV003026658.24), dbSNP rs374426202, ClinGen allele CA9467656.
Genomic context (GRCh38, chr19:41,981,558, plus strand): 5'-GTACCTGGTATTTGTTGGTGGAATTGAAGGGAATCTCAGCCACTTTCTTGTTGCGTTCAC[G>A]CATCAGCTTCACGGAGCCAGAGGACAGCTCGATGCACTTGAGCAGGGCAGACTCAGACGC-3'
Protein context (NP_689509.1, residues 451-471): ELSSGSVKLM[Arg461Cys]ERNKKVAEIP

ClinVar aggregate classification (germline): Uncertain significance. Review status: criteria provided, multiple submitters, no conflicts (2 of 4 stars). 2 submissions from 2 submitters: Uncertain significance (2). Last evaluated 2025-03-11.

Conditions:
Dystonia 12 (DYT12). Also called: DYT-ATP1A3; Rapid-Onset Dystonia-Parkinsonism (RDP). Identifiers: Orphanet 71517, MedGen C1868681, MONDO:0007496, OMIM 128235.

Allele frequency attached by ClinVar (database versions not stated): gnomAD exomes below 0.00001; ExAC 0.00001; ESP Exome Variant Server 0.00008.
gnomAD v4.1: 1 of 1,614,208 alleles (0.000062%); highest among the groups gnomAD compares: Non-Finnish European, 0.000085%; no homozygotes.

Submissions (2):

Labcorp Genetics (formerly Invitae), Labcorp
Classification: Uncertain significance for Dystonia 12. Last evaluated: 2025-03-11. Review status: criteria provided, single submitter. Criteria: Invitae Variant Classification Sherloc (09022015). Collection method: clinical testing. Allele origin: germline.
Comment: This sequence change replaces arginine, which is basic and polar, with cysteine, which is neutral and slightly polar, at codon 461 of the ATP1A3 protein (p.Arg461Cys). This variant is present in population databases (rs374426202, gnomAD 0.007%). This variant has not been reported in the literature in individuals affected with ATP1A3-related conditions. ClinVar contains an entry for this variant (Variation ID: 3026658). Invitae Evidence Modeling of protein sequence and biophysical properties (such as structural, functional, and spatial information, amino acid conservation, physicochemical variation, residue mobility, and thermodynamic stability) indicates that this missense variant is expected to disrupt ATP1A3 protein function with a positive predictive value of 95%. In summary, the available evidence is currently insufficient to determine the role of this variant in disease. Therefore, it has been classified as a Variant of Uncertain Significance.

CeGaT Center for Human Genetics Tuebingen
Classification: Uncertain significance. Last evaluated: 2024-07-01. Review status: criteria provided, single submitter. Criteria: CeGaT Center For Human Genetics Tuebingen Variant Classification Criteria Version 2. Collection method: clinical testing. Allele origin: germline. Affected: yes. Observed: 1 variant allele.
Comment: ATP1A3: PM2, PP2